The following is an entry in ClinVar:

NM_004260.4(RECQL4):c.1891C>A (p.Arg631Ser)

Gene: RECQL4 (RecQ like helicase 4; minus strand). Cytogenetic location: 8q24.3.
Variant type: single nucleotide variant.
Coding change: c.1891C>A on transcript NM_004260.4 (MANE Select); coding-DNA position 1891, C replaced by A.
Protein change: p.Arg631Ser; replaces arginine 631 with serine.
Molecular consequence: missense variant.
Genome position (GRCh38, 1-based): chr8:144,514,095, G>T on the plus strand (C>A on the coding strand, the complement: RECQL4 is on the minus strand). VCF-style: chr8-144514095-G-T. GRCh37 (hg19) VCF-style: chr8-145739479-G-T.
Other names: short protein forms R631S.
Identifiers: ClinVar variation 655205 (VCV000655205.4), dbSNP rs748941688, ClinGen allele CA372680540.

ClinVar aggregate classification (germline): Uncertain significance (1 of 4 stars; one submission).

Conditions:
Baller-Gerold syndrome (BGS). Also called: CRANIOSYNOSTOSIS WITH RADIAL DEFECTS. Identifiers: Orphanet 1225, MedGen C0265308, MONDO:0009039, OMIM 218600.

Submission:

Labcorp Genetics (formerly Invitae), Labcorp
Classification: Uncertain significance for Baller-Gerold syndrome. Last evaluated: 2021-01-22. Review status: criteria provided, single submitter. Criteria: Invitae Variant Classification Sherloc (09022015). Collection method: clinical testing. Allele origin: germline.
Comment: This sequence change replaces arginine with serine at codon 631 of the RECQL4 protein (p.Arg631Ser). The arginine residue is weakly conserved and there is a moderate physicochemical difference between arginine and serine. In summary, the available evidence is currently insufficient to determine the role of this variant in disease. Therefore, it has been classified as a Variant of Uncertain Significance. Algorithms developed to predict the effect of missense changes on protein structure and function output the following: SIFT: "Tolerated"; PolyPhen-2: "Benign"; Align-GVGD: "Class C15". The serine amino acid residue is found in multiple mammalian species, suggesting that this missense change does not adversely affect protein function. These predictions have not been confirmed by published functional studies and their clinical significance is uncertain. This variant has not been reported in the literature in individuals with RECQL4-related disease. This variant is not present in population databases (ExAC no frequency).